The following is an entry in ClinVar:

ClinVar aggregate classification (germline): Conflicting classifications of pathogenicity. Review status: criteria provided, conflicting classifications (1 of 4 stars). 2 submissions from 2 submitters: Uncertain significance (1); Likely benign (1). Last evaluated 2026-07-08.

Conditions:
Hereditary cancer-predisposing syndrome. Also called: Neoplastic Syndromes, Hereditary; Tumor predisposition; Hereditary Cancer Syndrome; Hereditary neoplastic syndrome. Identifiers: Orphanet 140162, MedGen C0027672, MeSH D009386, MONDO:0015356.

Submissions (2):

Ambry Genetics
Classification: Likely benign for Hereditary cancer-predisposing syndrome. Last evaluated: 2026-07-08. Review status: criteria provided, single submitter. Criteria: Ambry Variant Classification Scheme 2023. Collection method: clinical testing. Allele origin: germline.

GeneDx
Classification: Uncertain significance. Last evaluated: 2023-07-31. Review status: criteria provided, single submitter. Criteria: GeneDx Variant Classification Process June 2021. Collection method: clinical testing. Allele origin: germline. Affected: yes.
Comment: Not observed at significant frequency in large population cohorts (gnomAD); In silico analysis supports that this missense variant has a deleterious effect on protein structure/function; Has not been previously published as pathogenic or benign to our knowledge; This variant is associated with the following publications: (PMID: 9744472, 10094558, 22470475)

NM_004360.5(CDH1):c.367C>T (p.His123Tyr)

Gene: CDH1 (cadherin 1; plus strand). Cytogenetic location: 16q22.1.
Variant type: single nucleotide variant.
Coding change: c.367C>T on transcript NM_004360.5 (MANE Select); coding-DNA position 367, C replaced by T.
Protein change: p.His123Tyr; replaces histidine 123 with tyrosine.
Molecular consequence: missense variant. On other transcripts: 5 prime UTR variant (2).
Genome position (GRCh38, 1-based): chr16:68,801,873, C>T. VCF-style: chr16-68801873-C-T. GRCh37 (hg19) VCF-style: chr16-68835776-C-T.
Other names: c.367C>T, p.His123Tyr (NM_001317184.2); c.-1249C>T (NM_001317185.2); c.-1453C>T (NM_001317186.2); short protein forms H123Y.
Identifiers: ClinVar variation 1317360 (VCV001317360.6), dbSNP rs1555514482, ClinGen allele CA396457473.